The following is an entry in ClinVar:

ClinVar aggregate classification (germline): Benign/Likely benign. Review status: criteria provided, multiple submitters, no conflicts (2 of 4 stars). 7 submissions from 7 submitters: Benign (4); Likely benign (2). 1 of the submissions does not count toward it. Last evaluated 2025-12-15.

Conditions:
Menke-Hennekam syndrome 1 (MKHK1). Identifiers: MedGen C5193034, MONDO:0020763, OMIM 618332.
Rubinstein-Taybi syndrome due to CREBBP mutations (RSTS1). Also called: RUBINSTEIN SYNDROME; RUBINSTEIN-TAYBI SYNDROME 1, INCOMPLETE; BROAD THUMB-HALLUX SYNDROME; Rubinstein-Taybi syndrome 1; BROAD THUMBS AND GREAT TOES, CHARACTERISTIC FACIES, AND IMPAIRED INTELLECTUAL DEVELOPMENT; CREBBP-Related Rubinstein-Taybi Syndrome. Identifiers: Orphanet 353277, Orphanet 783, MedGen C4551859, MONDO:0008393, OMIM 180849.
Rubinstein-Taybi syndrome (RSTS). Identifiers: Orphanet 783, MedGen C0035934, MONDO:0019188.
Inborn genetic diseases. Identifiers: MedGen C0950123, MeSH D030342.

Allele frequency attached by ClinVar (database versions not stated): gnomAD 0.00003 and 0.00047; TOPMed 0.00007; gnomAD exomes 0.00064 and 0.00128; ExAC 0.00159; 1000 Genomes Project 30x 0.00437; 1000 Genomes Project 0.00519.
gnomAD v4.1: 1,004 of 1,614,222 alleles (0.062%); highest among the groups gnomAD compares: South Asian, 1%; 14 homozygotes.

Submissions (7):

Labcorp Genetics (formerly Invitae), Labcorp
Classification: Benign for Rubinstein-Taybi syndrome. Last evaluated: 2025-12-15. Review status: criteria provided, single submitter. Criteria: Invitae Variant Classification Sherloc (09022015). Collection method: clinical testing. Allele origin: germline.

CeGaT Center for Human Genetics Tuebingen
Classification: Benign. Last evaluated: 2025-05-01. Review status: criteria provided, single submitter. Criteria: CeGaT Center For Human Genetics Tuebingen Variant Classification Criteria Version 2. Collection method: clinical testing. Allele origin: germline. Affected: yes. Observed: 3 variant alleles.
Comment: CREBBP: BP4, BP7, BS1, BS2

Fulgent Genetics
Classification: Likely benign for Rubinstein-Taybi syndrome due to CREBBP mutations; Menke-Hennekam syndrome 1. Last evaluated: 2021-12-29. Review status: criteria provided, single submitter. Criteria: ACMG Guidelines, 2015. Collection method: clinical testing. Allele origin: unknown.

GeneDx
Classification: Likely benign. Last evaluated: 2020-03-19. Review status: criteria provided, single submitter. Criteria: GeneDx Variant Classification Process June 2021. Collection method: clinical testing. Allele origin: germline. Affected: yes.

Ambry Genetics
Classification: Benign for Inborn genetic diseases. Last evaluated: 2016-06-07. Review status: criteria provided, single submitter. Criteria: Ambry Variant Classification Scheme 2023. Collection method: clinical testing. Allele origin: germline.

Eurofins Ntd Llc (ga)
Classification: Benign. Last evaluated: 2015-04-24. Review status: criteria provided, single submitter. Criteria: EGL Classification Definitions 2015. Collection method: clinical testing. Allele origin: germline. Observed: 1 variant allele, 1 heterozygote.

Genetic Services Laboratory, University of Chicago
Classification: Benign. Last evaluated: 2022-09-21. Review status: no assertion criteria provided. Collection method: clinical testing. Allele origin: germline. Affected: no. Not counted in ClinVar's aggregate classification.

NM_004380.3(CREBBP):c.5115C>T (p.Tyr1705=)

Gene: CREBBP (CREB binding lysine acetyltransferase; minus strand). Cytogenetic location: 16p13.3.
Variant type: single nucleotide variant.
Coding change: c.5115C>T on transcript NM_004380.3 (MANE Select); coding-DNA position 5115, C replaced by T.
Protein change: p.Tyr1705=; no amino-acid change (tyrosine 1705 retained).
Molecular consequence: synonymous variant.
Genome position (GRCh38, 1-based): chr16:3,731,249, G>A on the plus strand (C>T on the coding strand, the complement: CREBBP is on the minus strand). VCF-style: chr16-3731249-G-A. GRCh37 (hg19) VCF-style: chr16-3781250-G-A.
Other names: c.5001C>T, p.Tyr1667= (NM_001079846.1).
Identifiers: ClinVar variation 196628 (VCV000196628.80), dbSNP rs200287696, ClinGen allele CA202486.
Genomic context (GRCh38, chr16:3,731,249, plus strand): 5'-TACCTCGCACACAGTGCAGTGCCAGCGCGTCTCCACGTGGTGCTTGCACTCGTTGCAGGT[G>A]TAGACAAAGCGGTCCTGGCCCTGGGTGTGCAGCTCCACCAGCATGCAGAGCGTGGACCAC-3'
Protein context (NP_004371.2, residues 1695-1715): LHTQGQDRFV[Tyr1705=]TCNECKHHVE